The following is an entry in ClinVar:

ClinVar aggregate classification (germline): Benign (0 of 4 stars; one submission).

Conditions:
UACA-related disorder. Also called: UACA-related condition.

Allele frequency attached by ClinVar (database versions not stated): ESP Exome Variant Server 0.00278; 1000 Genomes Project 30x 0.00312; TOPMed 0.00323; gnomAD 0.00361; 1000 Genomes Project 0.00379; gnomAD exomes 0.00394; ExAC 0.00604.
gnomAD v4.1: 6,236 of 1,577,888 alleles (0.4%); highest among the groups gnomAD compares: South Asian, 1.5%; 43 homozygotes.

Submissions (11):

PreventionGenetics, part of Exact Sciences
Classification: Benign for UACA-related condition. Last evaluated: 2019-04-18. Review status: no assertion criteria provided. Collection method: clinical testing. Allele origin: germline.
Comment: This variant is classified as benign based on ACMG/AMP sequence variant interpretation guidelines (Richards et al. 2015 PMID: 25741868, with internal and published modifications).

Dr. Peter K. Rogan Lab, Western University
No classification provided (evidence only). Condition: Clear cell carcinoma of kidney. Review status: no classification provided. Collection method: in vitro. Allele origin: not applicable. Functional consequence: retained intron. Not counted in ClinVar's aggregate classification.

Dr. Peter K. Rogan Lab, Western University
No classification provided (evidence only). Condition: Clear cell carcinoma of kidney. Review status: no classification provided. Collection method: in vitro. Allele origin: not applicable. Functional consequence: retained intron. Not counted in ClinVar's aggregate classification.

Dr. Peter K. Rogan Lab, Western University
No classification provided (evidence only). Condition: Lung cancer. Review status: no classification provided. Collection method: in vitro. Allele origin: not applicable. Functional consequence: retained intron. Not counted in ClinVar's aggregate classification.

Dr. Peter K. Rogan Lab, Western University
No classification provided (evidence only). Condition: Melanoma. Review status: no classification provided. Collection method: in vitro. Allele origin: not applicable. Functional consequence: retained intron. Not counted in ClinVar's aggregate classification.

Dr. Peter K. Rogan Lab, Western University
No classification provided (evidence only). Condition: Familial cancer of breast. Review status: no classification provided. Collection method: in vitro. Allele origin: not applicable. Functional consequence: retained intron. Not counted in ClinVar's aggregate classification.

Dr. Peter K. Rogan Lab, Western University
No classification provided (evidence only). Condition: Thyroid cancer, nonmedullary, 1. Review status: no classification provided. Collection method: in vitro. Allele origin: not applicable. Functional consequence: retained intron. Not counted in ClinVar's aggregate classification.

Dr. Peter K. Rogan Lab, Western University
No classification provided (evidence only). Condition: Hepatocellular carcinoma. Review status: no classification provided. Collection method: in vitro. Allele origin: not applicable. Functional consequence: retained intron. Not counted in ClinVar's aggregate classification.

Dr. Peter K. Rogan Lab, Western University
No classification provided (evidence only). Condition: Nonpapillary renal cell carcinoma. Review status: no classification provided. Collection method: in vitro. Allele origin: not applicable. Functional consequence: retained intron. Not counted in ClinVar's aggregate classification.

Dr. Peter K. Rogan Lab, Western University
No classification provided (evidence only). Condition: Thymoma. Review status: no classification provided. Collection method: in vitro. Allele origin: not applicable. Functional consequence: retained intron. Not counted in ClinVar's aggregate classification.

Dr. Peter K. Rogan Lab, Western University
No classification provided (evidence only). Condition: Malignant tumor of esophagus. Review status: no classification provided. Collection method: in vitro. Allele origin: not applicable. Functional consequence: retained intron. Not counted in ClinVar's aggregate classification.

NM_018003.4(UACA):c.1207A>G (p.Met403Val)

Gene: UACA (uveal autoantigen with coiled-coil domains and ankyrin repeats; minus strand). Cytogenetic location: 15q23.
Variant type: single nucleotide variant.
Coding change: c.1207A>G on transcript NM_018003.4 (MANE Select); coding-DNA position 1207, A replaced by G.
Protein change: p.Met403Val; replaces methionine 403 with valine.
Molecular consequence: missense variant.
Genome position (GRCh38, 1-based): chr15:70,671,053, T>C on the plus strand (A>G on the coding strand, the complement: UACA is on the minus strand). VCF-style: chr15-70671053-T-C. GRCh37 (hg19) VCF-style: chr15-70963392-T-C.
Other names: NC_000015.9:g.70963392T>C; c.1168A>G, p.Met390Val (NM_001008224.3); short protein forms M390V, M403V.
Identifiers: ClinVar variation 3056303 (VCV003056303.3), dbSNP rs150049035, ClinGen allele CA7637206.